The following is an entry in ClinVar:

NM_024642.5(GALNT12):c.678C>T (p.Phe226=)

Gene: GALNT12 (polypeptide N-acetylgalactosaminyltransferase 12; plus strand). Cytogenetic location: 9q22.33.
Variant type: single nucleotide variant.
Coding change: c.678C>T on transcript NM_024642.5 (MANE Select); coding-DNA position 678, C replaced by T.
Protein change: p.Phe226=; no amino-acid change (phenylalanine 226 retained).
Molecular consequence: synonymous variant.
Genome position (GRCh38, 1-based): chr9:98,826,888, C>T. VCF-style: chr9-98826888-C-T. GRCh37 (hg19) VCF-style: chr9-101589170-C-T.
Identifiers: ClinVar variation 5042158 (VCV005042158.1).

ClinVar aggregate classification (germline): Benign (1 of 4 stars; one submission).

Conditions:
Colorectal cancer, susceptibility to, 1. Also called: COLORECTAL ADENOMA AND CANCER, SUSCEPTIBILITY TO; COLORECTAL CANCER, SUSCEPTIBILITY TO, ON CHROMOSOME 9. Identifiers: MedGen C1837315, MONDO:0012132, OMIM 608812.

Submission:

Myriad Genetics, Inc.
Classification: Benign for Colorectal cancer, susceptibility to, 1. Last evaluated: 2026-09-11. Review status: criteria provided, single submitter. Criteria: Myriad Autosomal Dominant, Autosomal Recessive and X-Linked Classification Criteria (2023). Collection method: clinical testing. Allele origin: unknown.
Comment: This variant is considered benign. This variant is a silent/synonymous amino acid change and it is not expected to impact splicing.